The following is an entry in ClinVar:

NM_178822.5(IGSF10):c.7229G>A (p.Arg2410His)

Gene: IGSF10 (immunoglobulin superfamily member 10; minus strand). Cytogenetic location: 3q25.1.
Variant type: single nucleotide variant.
Coding change: c.7229G>A on transcript NM_178822.5 (MANE Select); coding-DNA position 7229, G replaced by A.
Protein change: p.Arg2410His; replaces arginine 2410 with histidine.
Molecular consequence: missense variant.
Genome position (GRCh38, 1-based): chr3:151,437,332, C>T on the plus strand (G>A on the coding strand, the complement: IGSF10 is on the minus strand). VCF-style: chr3-151437332-C-T. GRCh37 (hg19) VCF-style: chr3-151155120-C-T.
Other names: c.1166G>A, p.Arg389His (NM_001178145.3, NM_001178146.3); c.7229G>A, p.Arg2410His (NM_001385060.1, NM_001385061.1, NM_001385062.1 and 1 more transcripts); c.7229G>A (NM_178822.4); short protein forms R389H, R2410H.
Identifiers: ClinVar variation 2181900 (VCV002181900.5), dbSNP rs370875040, ClinGen allele CA2669332.

ClinVar aggregate classification (germline): Uncertain significance. Review status: criteria provided, multiple submitters, no conflicts (2 of 4 stars). 2 submissions from 2 submitters: Uncertain significance (2). Last evaluated 2023-12-19.

Allele frequency attached by ClinVar (database versions not stated): gnomAD exomes 0.00001; ExAC 0.00002; TOPMed 0.00007; ESP Exome Variant Server 0.00008; gnomAD 0.00010.
gnomAD v4.1: 33 of 1,614,032 alleles (0.002%); highest among the groups gnomAD compares: African/African-American, 0.029%; no homozygotes.

Submissions (2):

Ambry Genetics
Classification: Uncertain significance. Last evaluated: 2023-12-19. Review status: criteria provided, single submitter. Criteria: Ambry Variant Classification Scheme 2023. Collection method: clinical testing. Allele origin: germline.

Labcorp Genetics (formerly Invitae), Labcorp
Classification: Uncertain significance. Last evaluated: 2022-06-13. Review status: criteria provided, single submitter. Criteria: Invitae Variant Classification Sherloc (09022015). Collection method: clinical testing. Allele origin: germline.
Comment: This sequence change replaces arginine, which is basic and polar, with histidine, which is basic and polar, at codon 2410 of the IGSF10 protein (p.Arg2410His). In summary, the available evidence is currently insufficient to determine the role of this variant in disease. Therefore, it has been classified as a Variant of Uncertain Significance. Algorithms developed to predict the effect of missense changes on protein structure and function are either unavailable or do not agree on the potential impact of this missense change (SIFT: "Deleterious"; PolyPhen-2: "Probably Damaging"; Align-GVGD: "Class C0"). This variant has not been reported in the literature in individuals affected with IGSF10-related conditions. This variant is present in population databases (rs370875040, gnomAD 0.02%).